The following is an entry in ClinVar:

NM_003072.5(SMARCA4):c.3998G>A (p.Arg1333Gln)

Gene: SMARCA4 (SWI/SNF related BAF chromatin remodeling complex subunit ATPase 4; plus strand). Cytogenetic location: 19p13.2.
Variant type: single nucleotide variant.
Coding change: c.3998G>A on transcript NM_003072.5 (MANE Select); coding-DNA position 3998, G replaced by A.
Protein change: p.Arg1333Gln; replaces arginine 1333 with glutamine.
Molecular consequence: missense variant. On other transcripts: non-coding transcript variant (1).
Genome position (GRCh38, 1-based): chr19:11,034,960, G>A. VCF-style: chr19-11034960-G-A. GRCh37 (hg19) VCF-style: chr19-11145636-G-A.
Other names: c.3998G>A, p.Arg1333Gln (NM_001128844.3, NM_001128849.3, NM_001387283.1); c.3899G>A, p.Arg1300Gln (NM_001128845.2, NM_001128846.2, NM_001128847.4 and 3 more transcripts); short protein forms R1333Q, R1300Q.
Identifiers: ClinVar variation 3680087 (VCV003680087.2).

ClinVar aggregate classification (germline): Uncertain significance (1 of 4 stars; one submission).

Conditions:
Rhabdoid tumor predisposition syndrome 2 (RTPS2). Identifiers: Orphanet 231108, Orphanet 69077, MedGen C2750074, MONDO:0013224, OMIM 613325.

Submission:

Labcorp Genetics (formerly Invitae), Labcorp
Classification: Uncertain significance for Rhabdoid tumor predisposition syndrome 2. Last evaluated: 2024-03-21. Review status: criteria provided, single submitter. Criteria: Invitae Variant Classification Sherloc (09022015). Collection method: clinical testing. Allele origin: germline.
Comment: This sequence change replaces arginine, which is basic and polar, with glutamine, which is neutral and polar, at codon 1333 of the SMARCA4 protein (p.Arg1333Gln). This variant is not present in population databases (gnomAD no frequency). This variant has not been reported in the literature in individuals affected with SMARCA4-related conditions. Advanced modeling of protein sequence and biophysical properties (such as structural, functional, and spatial information, amino acid conservation, physicochemical variation, residue mobility, and thermodynamic stability) performed at Invitae indicates that this missense variant is expected to disrupt SMARCA4 protein function with a positive predictive value of 95%. In summary, the available evidence is currently insufficient to determine the role of this variant in disease. Therefore, it has been classified as a Variant of Uncertain Significance.